The following is an entry in ClinVar:

NM_018975.4(TERF2IP):c.1093C>G (p.Gln365Glu)

Gene: TERF2IP (TERF2 interacting protein; plus strand). Cytogenetic location: 16q23.1.
Variant type: single nucleotide variant.
Coding change: c.1093C>G on transcript NM_018975.4 (MANE Select); coding-DNA position 1093, C replaced by G.
Protein change: p.Gln365Glu; replaces glutamine 365 with glutamic acid.
Molecular consequence: missense variant. On other transcripts: non-coding transcript variant (1).
Genome position (GRCh38, 1-based): chr16:75,656,504, C>G. VCF-style: chr16-75656504-C-G. GRCh37 (hg19) VCF-style: chr16-75690402-C-G.
Other names: short protein forms Q365E.
Identifiers: ClinVar variation 1789936 (VCV001789936.7), dbSNP rs1317089348, ClinGen allele CA396820243.

ClinVar aggregate classification (germline): Uncertain significance. Review status: criteria provided, multiple submitters, no conflicts (2 of 4 stars). 2 submissions from 2 submitters: Uncertain significance (2). Last evaluated 2026-02-01.

Allele frequency attached by ClinVar (database versions not stated): TOPMed below 0.00001; gnomAD 0.00001; gnomAD exomes 0.00001.

Submissions (2):

Labcorp Genetics (formerly Invitae), Labcorp
Classification: Uncertain significance. Last evaluated: 2026-02-01. Review status: criteria provided, single submitter. Criteria: Invitae Variant Classification Sherloc (09022015). Collection method: clinical testing. Allele origin: germline.
Comment: This sequence change replaces glutamine, which is neutral and polar, with glutamic acid, which is acidic and polar, at codon 365 of the TERF2IP protein (p.Gln365Glu). This variant is present in population databases (no rsID available, gnomAD 0.007%). This variant has not been reported in the literature in individuals affected with TERF2IP-related conditions. ClinVar contains an entry for this variant (Variation ID: 1789936). An algorithm developed to predict the effect of missense changes on protein structure and function (PolyPhen-2) suggests that this variant is likely to be tolerated. In summary, the available evidence is currently insufficient to determine the role of this variant in disease. Therefore, it has been classified as a Variant of Uncertain Significance.

Ambry Genetics
Classification: Uncertain significance. Last evaluated: 2024-12-14. Review status: criteria provided, single submitter. Criteria: Ambry Variant Classification Scheme 2023. Collection method: clinical testing. Allele origin: germline.